The following is an entry in ClinVar:

ClinVar aggregate classification (germline): Pathogenic (1 of 4 stars; one submission).

Submission:

GeneDx
Classification: Pathogenic. Last evaluated: 2022-04-14. Review status: criteria provided, single submitter. Criteria: GeneDx Variant Classification Process June 2021. Collection method: clinical testing. Allele origin: germline. Affected: yes.
Comment: Frameshift variant predicted to result in protein truncation or nonsense mediated decay in a gene for which loss of function is a known mechanism of disease; Not observed at significant frequency in large population cohorts (gnomAD); Has not been previously published as pathogenic or benign to our knowledge

NM_013275.6(ANKRD11):c.2398_2402del (p.Glu800fs)

Gene: ANKRD11 (ankyrin repeat domain containing 11; minus strand). Cytogenetic location: 16q24.3.
Variant type: Deletion.
Coding change: c.2398_2402del on transcript NM_013275.6 (MANE Select); coding-DNA positions 2398 to 2402, 5 bases deleted (GAAAA; older notation c.2398_2402delGAAAA).
Protein change: p.Glu800fs; shifts the reading frame from glutamic acid 800.
Molecular consequence: frameshift variant.
Genome position (GRCh38, 1-based): chr16:89,284,140-89,284,144, TTTTC deleted on the plus strand (GAAAA on the coding strand, the reverse complement: ANKRD11 is on the minus strand); deleting any 5 consecutive bases within chr16:89,284,140-89,284,147 gives the same sequence; the c. name uses the placement nearest the transcript's 3' end. VCF-style (leftmost placement, unchanged base first): chr16-89284139-TTTTTC-T. GRCh37 (hg19) VCF-style: chr16-89350547-TTTTTC-T.
Other names: c.2398_2402del, p.Glu800fs (NM_001256182.2, NM_001256183.2); short protein forms E800fs.
Identifiers: ClinVar variation 1710841 (VCV001710841.2), dbSNP rs2544241371, ClinGen allele CA2580092306.
Genomic context (GRCh38, chr16:89,284,139, plus strand): 5'-ATTTTTGTTACAATATTCGTCAAAAGCAGAATCTTCCCTATAAACCTTTTCTTTTTTGAG[TTTTTC>T]TTTATCTTCTTTAAAAATCTTCTCCTTCTCTTTTGAAATTTTGTCCTCTTTTAAATCATT-3'